The following is an entry in ClinVar:

ClinVar aggregate classification (germline): Benign/Likely benign. Review status: criteria provided, multiple submitters, no conflicts (2 of 4 stars). 11 submissions from 11 submitters: Benign (2); Likely benign (5). 4 of the submissions do not count toward it. Last evaluated 2026-08-01.

Conditions:
Cardiovascular phenotype. Identifiers: MedGen CN230736.
Myofibrillar myopathy 6. Identifiers: Orphanet 199340, MedGen C2751831, MONDO:0013061, OMIM 612954.
Dilated cardiomyopathy 1HH (CMD1HH). Identifiers: Orphanet 154, MedGen C3151293, MONDO:0013479, OMIM 613881.

Allele frequency attached by ClinVar (database versions not stated): ESP Exome Variant Server 0.00015; ExAC 0.00016; TOPMed 0.00016; gnomAD exomes 0.00017.
gnomAD v4.1: 288 of 1,600,214 alleles (0.018%); highest among the groups gnomAD compares: Non-Finnish European, 0.016%; no homozygotes.

Submissions (11):

CeGaT Center for Human Genetics Tuebingen
Classification: Likely benign. Last evaluated: 2026-08-01. Review status: criteria provided, single submitter. Criteria: CeGaT Center For Human Genetics Tuebingen Variant Classification Criteria Version 2. Collection method: clinical testing. Allele origin: germline. Affected: yes. Observed: 9 variant alleles.
Comment: BAG3: BP4, BP7

Labcorp Genetics (formerly Invitae), Labcorp
Classification: Likely benign for Dilated cardiomyopathy 1HH; Myofibrillar myopathy 6. Last evaluated: 2026-01-10. Review status: criteria provided, single submitter. Criteria: Invitae Variant Classification Sherloc (09022015). Collection method: clinical testing. Allele origin: germline.

Women's Health and Genetics/Laboratory Corporation of America, LabCorp
Classification: Benign. Last evaluated: 2025-05-09. Review status: criteria provided, single submitter. Criteria: LabCorp Variant Classification Summary - May 2015. Collection method: clinical testing. Allele origin: germline.

Molecular Diagnostic Laboratory for Inherited Cardiovascular Disease, Montreal Heart Institute
Classification: Likely benign. Last evaluated: 2025-04-09. Review status: criteria provided, single submitter. Criteria: ACMG Guidelines, 2015. Collection method: clinical testing. Allele origin: germline. Affected: no.

Blueprint Genetics
Classification: Likely benign. Last evaluated: 2024-10-15. Review status: criteria provided, single submitter. Criteria: ACMG Guidelines, 2015. Collection method: clinical testing. Allele origin: germline.

Ambry Genetics
Classification: Likely benign for Cardiovascular phenotype. Last evaluated: 2017-01-19. Review status: criteria provided, single submitter. Criteria: Ambry Variant Classification Scheme 2023. Collection method: clinical testing. Allele origin: germline.

GeneDx
Classification: Benign. Last evaluated: 2016-01-29. Review status: criteria provided, single submitter. Criteria: GeneDx Variant Classification (06012015). Collection method: clinical testing. Allele origin: germline. Affected: yes.
Comment: This variant is considered likely benign or benign based on one or more of the following criteria: it is a conservative change, it occurs at a poorly conserved position in the protein, it is predicted to be benign by multiple in silico algorithms, and/or has population frequency not consistent with disease.

Clinical Genetics DNA and cytogenetics Diagnostics Lab, Erasmus MC, Erasmus Medical Center
Classification: Likely benign. Review status: no assertion criteria provided. Collection method: clinical testing. Allele origin: germline. Affected: yes. Study: VKGL Data-share Consensus. Not counted in ClinVar's aggregate classification.

Clinical Genetics, Academic Medical Center
Classification: Benign. Review status: no assertion criteria provided. Collection method: clinical testing. Allele origin: germline. Affected: yes. Study: VKGL Data-share Consensus. Not counted in ClinVar's aggregate classification.

Diagnostic Laboratory, Department of Genetics, University Medical Center Groningen
Classification: Likely benign. Review status: no assertion criteria provided. Collection method: clinical testing. Allele origin: germline. Affected: yes. Study: VKGL Data-share Consensus. Not counted in ClinVar's aggregate classification.

Joint Genome Diagnostic Labs from Nijmegen and Maastricht, Radboudumc and MUMC+
Classification: Likely benign. Review status: no assertion criteria provided. Collection method: clinical testing. Allele origin: germline. Affected: yes. Study: VKGL Data-share Consensus. Not counted in ClinVar's aggregate classification.

NM_004281.4(BAG3):c.96G>T (p.Pro32=)

Gene: BAG3 (BAG cochaperone 3; plus strand). Cytogenetic location: 10q26.11.
Variant type: single nucleotide variant.
Coding change: c.96G>T on transcript NM_004281.4 (MANE Select); coding-DNA position 96, G replaced by T.
Protein change: p.Pro32=; no amino-acid change (proline 32 retained).
Molecular consequence: synonymous variant.
Genome position (GRCh38, 1-based): chr10:119,651,771, G>T. VCF-style: chr10-119651771-G-T. GRCh37 (hg19) VCF-style: chr10-121411283-G-T.
Identifiers: ClinVar variation 377548 (VCV000377548.55), dbSNP rs372083121, ClinGen allele CA5716215.